The following is an entry in ClinVar:

ClinVar aggregate classification (germline): Uncertain significance (1 of 4 stars; one submission).

Submission:

Labcorp Genetics (formerly Invitae), Labcorp
Classification: Uncertain significance. Last evaluated: 2026-01-22. Review status: criteria provided, single submitter. Criteria: Invitae Variant Classification Sherloc (09022015). Collection method: clinical testing. Allele origin: germline.
Comment: This sequence change replaces cysteine, which is neutral and slightly polar, with glycine, which is neutral and non-polar, at codon 4813 of the USH2A protein (p.Cys4813Gly). This variant is not present in population databases (gnomAD no frequency). This variant has not been reported in the literature in individuals affected with USH2A-related conditions. ClinVar contains an entry for this variant (Variation ID: 2823938). Invitae Evidence Modeling of protein sequence and biophysical properties (such as structural, functional, and spatial information, amino acid conservation, physicochemical variation, residue mobility, and thermodynamic stability) indicates that this missense variant is expected to disrupt USH2A protein function with a positive predictive value of 80%. In summary, the available evidence is currently insufficient to determine the role of this variant in disease. Therefore, it has been classified as a Variant of Uncertain Significance.

NM_206933.4(USH2A):c.14437T>G (p.Cys4813Gly)

Gene: USH2A (usherin; minus strand). Cytogenetic location: 1q41.
Variant type: single nucleotide variant.
Coding change: c.14437T>G on transcript NM_206933.4 (MANE Select); coding-DNA position 14437, T replaced by G.
Protein change: p.Cys4813Gly; replaces cysteine 4813 with glycine.
Molecular consequence: missense variant.
Genome position (GRCh38, 1-based): chr1:215,648,673, A>C on the plus strand (T>G on the coding strand, the complement: USH2A is on the minus strand). VCF-style: chr1-215648673-A-C. GRCh37 (hg19) VCF-style: chr1-215822015-A-C.
Other names: short protein forms C4813G.
Identifiers: ClinVar variation 2823938 (VCV002823938.3), dbSNP rs2464816002, ClinGen allele CA344833794.